The following is an entry in ClinVar:

NM_002047.4(GARS1):c.719A>C (p.Glu240Ala)

Gene: GARS1 (glycyl-tRNA synthetase 1; plus strand). Cytogenetic location: 7p14.3.
Variant type: single nucleotide variant.
Coding change: c.719A>C on transcript NM_002047.4 (MANE Select); coding-DNA position 719, A replaced by C.
Protein change: p.Glu240Ala; replaces glutamic acid 240 with alanine.
Molecular consequence: missense variant.
Genome position (GRCh38, 1-based): chr7:30,603,556, A>C. VCF-style: chr7-30603556-A-C. GRCh37 (hg19) VCF-style: chr7-30643172-A-C.
Other names: p.Glu240Ala; c.557A>C, p.Glu186Ala (NM_001316772.1); short protein forms E186A, E240A.
Identifiers: ClinVar variation 1020664 (VCV001020664.9), dbSNP rs1791423440, ClinGen allele CA367140003.

ClinVar aggregate classification (germline): Uncertain significance. Review status: criteria provided, multiple submitters, no conflicts (2 of 4 stars). 2 submissions from 2 submitters: Uncertain significance (2). Last evaluated 2024-05-06.

Conditions:
Charcot-Marie-Tooth disease type 2. Also called: Charcot-Marie-Tooth type 2. Identifiers: Orphanet 64746, MedGen C0270914, MONDO:0018993.

Submissions (2):

Mayo Clinic Laboratories, Mayo Clinic
Classification: Uncertain significance. Last evaluated: 2024-05-06. Review status: criteria provided, single submitter. Criteria: ACMG Guidelines, 2015. Collection method: clinical testing. Allele origin: germline. Observed: 1 variant allele.
Comment: PM2

Labcorp Genetics (formerly Invitae), Labcorp
Classification: Uncertain significance for Charcot-Marie-Tooth disease type 2. Last evaluated: 2020-02-28. Review status: criteria provided, single submitter. Criteria: Invitae Variant Classification Sherloc (09022015). Collection method: clinical testing. Allele origin: germline.
Comment: This sequence change replaces glutamic acid with alanine at codon 240 of the GARS protein (p.Glu240Ala). The glutamic acid residue is highly conserved and there is a moderate physicochemical difference between glutamic acid and alanine. This variant is not present in population databases (ExAC no frequency). This variant has not been reported in the literature in individuals with GARS-related conditions. Algorithms developed to predict the effect of missense changes on protein structure and function are either unavailable or do not agree on the potential impact of this missense change (SIFT: "Deleterious"; PolyPhen-2: "Benign"; Align-GVGD: "Class C15"). In summary, the available evidence is currently insufficient to determine the role of this variant in disease. Therefore, it has been classified as a Variant of Uncertain Significance.